The following is an entry in ClinVar:

ClinVar aggregate classification (germline): Pathogenic (1 of 4 stars; one submission).

Conditions:
Pheochromocytoma/paraganglioma syndrome 3. Also called: GLOMUS TUMORS, FAMILIAL, 3; Paragangliomas 3; SDHC-Related Hereditary Paraganglioma-Pheochromocytoma Syndrome (Paragangliomas 3); SDHC-Related Hereditary Paraganglioma-Pheochromocytoma Syndrome. Identifiers: Orphanet 29072, MedGen C1854336, MONDO:0011544, OMIM 605373.

Submission:

Myriad Genetics, Inc.
Classification: Pathogenic for Pheochromocytoma/paraganglioma syndrome 3. Last evaluated: 2024-02-05. Review status: criteria provided, single submitter. Criteria: Myriad Autosomal Dominant, Autosomal Recessive and X-Linked Classification Criteria (2023). Collection method: clinical testing. Allele origin: unknown.
Comment: This variant is considered pathogenic. This variant creates a frameshift predicted to result in premature protein truncation.

NM_003001.5(SDHC):c.204dup (p.Ile69fs)

Gene: SDHC (succinate dehydrogenase complex subunit C; plus strand). Cytogenetic location: 1q23.3.
Variant type: Duplication.
Coding change: c.204dup on transcript NM_003001.5 (MANE Select); coding-DNA position 204, one base duplicated (C; older notation c.204dupC).
Protein change: p.Ile69fs; shifts the reading frame from isoleucine 69.
Molecular consequence: frameshift variant. On other transcripts: non-coding transcript variant (1).
Genome position (GRCh38, 1-based): chr1:161,340,618, C duplicated; the last of 2 consecutive C bases (chr1:161,340,617-161,340,618); duplicating either gives the same sequence. VCF-style (leftmost placement, unchanged base first): chr1-161340616-T-TC. GRCh37 (hg19) VCF-style: chr1-161310406-T-TC.
Other names: c.204dup, p.Ile69fs (NM_001035511.3); c.102dup, p.Ile35fs (NM_001035512.3, NM_001278172.3, NM_001407118.1); c.45dup, p.Ile16fs (NM_001035513.3); c.324dup, p.Ile109fs (NM_001407115.1); c.147dup, p.Ile50fs (NM_001407116.1, NM_001407117.1, NM_001407121.1); c.93dup, p.Ile32fs (NM_001407119.1, NM_001407120.1); short protein forms I109fs, I35fs, I69fs, I32fs, I16fs, I50fs.
Identifiers: ClinVar variation 3148693 (VCV003148693.1), dbSNP rs1671685956, ClinGen allele CA1202701820.